The following is an entry in ClinVar:

NM_007294.4(BRCA1):c.4146_4155dup (p.Ser1386fs)

Gene: BRCA1 (BRCA1 DNA repair associated; minus strand). Cytogenetic location: 17q21.31.
Variant type: Duplication.
Coding change: c.4146_4155dup on transcript NM_007294.4 (MANE Select); coding-DNA positions 4146 to 4155, 10 bases duplicated (CTCAGGGCTA; older notation c.4146_4155dupCTCAGGGCTA).
Protein change: p.Ser1386fs; shifts the reading frame from serine 1386.
Molecular consequence: frameshift variant. On other transcripts: non-coding transcript variant (1).
Genome position (GRCh38, 1-based): chr17:43,090,974-43,090,983, TAGCCCTGAG duplicated on the plus strand (CTCAGGGCTA on the coding strand, the reverse complement: BRCA1 is on the minus strand). VCF-style (leftmost placement, unchanged base first): chr17-43090973-A-ATAGCCCTGAG. GRCh37 (hg19) VCF-style: chr17-41242990-A-ATAGCCCTGAG.
Other names: 4274insCTCAGGGCTA(Stop1393); c.4146_4155dupCTCAGGGCTA (NM_007294.3); c.3933_3942dup, p.Ser1315Leufs (NM_001407571.1, NM_001407853.1, NM_001407894.1 and 9 more transcripts); c.4146_4155dup, p.Ser1386Leufs (NM_001407581.1, NM_001407582.1, NM_001407583.1 and 29 more transcripts); c.4143_4152dup, p.Ser1385Leufs (NM_001407587.1, NM_001407590.1, NM_001407591.1 and 22 more transcripts); c.4137_4146dup, p.Ser1383Leufs (NM_001407646.1, NM_001407647.1); c.4023_4032dup, p.Ser1345Leufs (NM_001407648.1, NM_001407664.1, NM_001407665.1 and 19 more transcripts); c.4020_4029dup, p.Ser1344Leufs (NM_001407649.1, NM_001407670.1, NM_001407671.1 and 11 more transcripts); and 46 more; short protein forms S1339fs, S1386fs, S283fs.
Identifiers: ClinVar variation 266452 (VCV000266452.19), dbSNP rs483353079, ClinGen allele CA10589685.

ClinVar aggregate classification (germline): Pathogenic. Review status: reviewed by expert panel (3 of 4 stars). 8 submissions from 8 submitters: Pathogenic (1). 7 of the submissions do not count toward it. Last evaluated 2016-10-18.

Conditions:
Hereditary cancer-predisposing syndrome. Also called: Hereditary Cancer Syndrome; Neoplastic Syndromes, Hereditary; Hereditary neoplastic syndrome; Tumor predisposition. Identifiers: Orphanet 140162, MedGen C0027672, MeSH D009386, MONDO:0015356.
Hereditary breast ovarian cancer syndrome. Also called: Hereditary breast and ovarian cancer syndrome (HBOC); Breast and ovarian cancer; Hereditary breast and ovarian cancer syndrome; Hereditary breast and ovarian cancer; BRCA1- and BRCA2-Associated Hereditary Breast and Ovarian Cancer; Hereditary breast and/or ovarian cancer syndrome. Identifiers: Orphanet 145, MedGen C0677776, MeSH D061325, MONDO:0003582. Disease mechanism: loss of function.
Breast-ovarian cancer, familial, susceptibility to, 1 (BROVCA1). Also called: BRCA1 Hereditary Breast and Ovarian Cancer; OVARIAN CANCER, SUSCEPTIBILITY TO. Identifiers: Orphanet 145, MedGen C2676676, MONDO:0011450, OMIM 604370. Disease mechanism: loss of function.

Submissions (8):

Evidence-based Network for the Interpretation of Germline Mutant Alleles (ENIGMA)
Classification: Pathogenic for Breast-ovarian cancer, familial, susceptibility to, 1. Last evaluated: 2016-10-18. Review status: reviewed by expert panel. Criteria: ENIGMA BRCA1/2 Classification Criteria (2015). Collection method: curation. Allele origin: germline.
Comment: Variant allele predicted to encode a truncated non-functional protein.

Labcorp Genetics (formerly Invitae), Labcorp
Classification: Pathogenic for Hereditary breast ovarian cancer syndrome. Last evaluated: 2025-09-03. Review status: criteria provided, single submitter. Criteria: Invitae Variant Classification Sherloc (09022015). Collection method: clinical testing. Allele origin: germline. Not counted in ClinVar's aggregate classification.
Comment: This sequence change creates a premature translational stop signal (p.Ser1386Leufs*8) in the BRCA1 gene. It is expected to result in an absent or disrupted protein product. Loss-of-function variants in BRCA1 are known to be pathogenic (PMID: 20104584). This variant is not present in population databases (gnomAD no frequency). This premature translational stop signal has been observed in individual(s) with hereditary breast and/or ovarian cancer (PMID: 29339979). ClinVar contains an entry for this variant (Variation ID: 266452). For these reasons, this variant has been classified as Pathogenic.

Ambry Genetics
Classification: Pathogenic for Hereditary cancer-predisposing syndrome. Last evaluated: 2025-03-23. Review status: criteria provided, single submitter. Criteria: Ambry Variant Classification Scheme 2023. Collection method: clinical testing. Allele origin: germline. Not counted in ClinVar's aggregate classification.
Comment: The c.4146_4155dup10 pathogenic mutation, located in coding exon 10 of the BRCA1 gene, results from a duplication of CTCAGGGCTA at nucleotide position 4146, causing a translational frameshift with a predicted alternate stop codon (p.S1386Lfs*8). In a large, clinic-based BRCA1/2 testing cohort in Norway, this variant was detected in one family (Heramb C et al. Hered Cancer Clin Pract, 2018 Jan;16:3). Additionally, this alteration was identified in a large, worldwide study of BRCA1/2 mutation positive families (Rebbeck TR et al. Hum Mutat, 2018 05;39:593-620). This variant is considered to be rare based on population cohorts in the Genome Aggregation Database (gnomAD). In addition to the clinical data presented in the literature, this alteration is expected to result in loss of function by premature protein truncation or nonsense-mediated mRNA decay. As such, this alteration is interpreted as a disease-causing mutation.

Department of Human Genetics, Hannover Medical School
Classification: Pathogenic for Breast-ovarian cancer, familial, susceptibility to, 1. Last evaluated: 2024-10-02. Review status: criteria provided, single submitter. Criteria: ACMG Guidelines, 2015. Collection method: clinical testing. Allele origin: germline. Affected: yes. Not counted in ClinVar's aggregate classification.
Comment: ClinGen BRCA1 VCEP: PVS1, PM2_Supporting, PM5_Strong

GeneDx
Classification: Pathogenic. Last evaluated: 2023-09-22. Review status: criteria provided, single submitter. Criteria: GeneDx Variant Classification Process June 2021. Collection method: clinical testing. Allele origin: germline. Affected: yes. Not counted in ClinVar's aggregate classification.
Comment: Frameshift variant predicted to result in protein truncation or nonsense mediated decay in a gene for which loss of function is a known mechanism of disease; Not observed at significant frequency in large population cohorts (gnomAD); Observed in a Norwegian family, cancer history not provided (Heramb et al., 2018); Truncating variants in this gene are considered pathogenic by a well-established clinical consortium and/or database; Also known as 4265_4274dup10; This variant is associated with the following publications: (PMID: 34981296, 29339979)

Quest Diagnostics Nichols Institute San Juan Capistrano
Classification: Pathogenic. Last evaluated: 2017-09-21. Review status: criteria provided, single submitter. Criteria: Quest Diagnostics criteria. Collection method: clinical testing. Allele origin: germline. Not counted in ClinVar's aggregate classification.

Department of Medical Genetics, Oslo University Hospital
Classification: Pathogenic for Breast-ovarian cancer, familial, susceptibility to, 1. Last evaluated: 2016-02-11. Review status: criteria provided, single submitter. Criteria: ACMG Guidelines, 2015. Collection method: clinical testing. Allele origin: germline. Affected: yes. Observed: 1 variant allele. Not counted in ClinVar's aggregate classification.

Consortium of Investigators of Modifiers of BRCA1/2 (CIMBA), c/o University of Cambridge
Classification: Pathogenic for Breast-ovarian cancer, familial, susceptibility to, 1. Last evaluated: 2015-10-02. Review status: criteria provided, single submitter. Criteria: CIMBA Mutation Classification guidelines May 2016. Collection method: clinical testing. Allele origin: germline. Not counted in ClinVar's aggregate classification.

Literature cited by the submitters: PubMed 20104584 (cited by Labcorp Genetics (formerly Invitae), Labcorp); PubMed 29339979 (cited by Labcorp Genetics (formerly Invitae), Labcorp and Ambry Genetics); PubMed 29446198 (cited by Ambry Genetics).